The following is an entry in ClinVar:

ClinVar aggregate classification (germline): Likely benign. Review status: criteria provided, multiple submitters, no conflicts (2 of 4 stars). 2 submissions from 2 submitters: Likely benign (2). Last evaluated 2021-05-18.

Allele frequency attached by ClinVar (database versions not stated): ExAC 0.00001.
gnomAD v4.1: 9 of 1,613,948 alleles (0.00056%); highest among the groups gnomAD compares: Non-Finnish European, 0.00076%; no homozygotes.

Submissions (2):

Blueprint Genetics
Classification: Likely benign. Last evaluated: 2021-05-18. Review status: criteria provided, single submitter. Criteria: ACMG Guidelines, 2015. Collection method: clinical testing. Allele origin: germline.

Laboratory for Molecular Medicine, Mass General Brigham Personalized Medicine
Classification: Likely benign. Last evaluated: 2011-12-21. Review status: criteria provided, single submitter. Criteria: LMM Criteria. Collection method: clinical testing. Allele origin: germline. Observed: 1 variant allele.
Comment: Tyr73Tyr in exon 3 of CSRP3: This variant is not expected to have clinical signi ficance because it does not alter an amino acid residue and is not located withi n the splice consensus sequence. Tyr73Tyr in exon 3 of CSRP3 (allele frequency = n/a)

NM_003476.5(CSRP3):c.219T>C (p.Tyr73=)

Gene: CSRP3 (cysteine and glycine rich protein 3; minus strand). Cytogenetic location: 11p15.1.
Variant type: single nucleotide variant.
Coding change: c.219T>C on transcript NM_003476.5 (MANE Select); coding-DNA position 219, T replaced by C.
Protein change: p.Tyr73=; no amino-acid change (tyrosine 73 retained).
Molecular consequence: synonymous variant. On other transcripts: intron variant (1).
Genome position (GRCh38, 1-based): chr11:19,188,198, A>G on the plus strand (T>C on the coding strand, the complement: CSRP3 is on the minus strand). VCF-style: chr11-19188198-A-G. GRCh37 (hg19) VCF-style: chr11-19209745-A-G.
Other names: c.113-1850T>C (NM_001369404.1).
Identifiers: ClinVar variation 44686 (VCV000044686.5), dbSNP rs397516852, ClinGen allele CA134869.